The following is an entry in ClinVar:

NM_016373.4(WWOX):c.1087G>A (p.Ala363Thr)

Genes: MAF (MAF bZIP transcription factor; minus strand), WWOX (WW domain containing oxidoreductase; plus strand). Cytogenetic location: 16q23.2.
Variant type: single nucleotide variant.
Coding change: c.1087G>A on transcript NM_016373.4 (MANE Select); coding-DNA position 1087, G replaced by A.
Protein change: p.Ala363Thr; replaces alanine 363 with threonine.
Molecular consequence: missense variant.
Genome position (GRCh38, 1-based): chr16:79,211,638, G>A. VCF-style: chr16-79211638-G-A. GRCh37 (hg19) VCF-style: chr16-79245535-G-A.
Other names: c.748G>A, p.Ala250Thr (NM_001291997.2); short protein forms A250T, A363T.
Identifiers: ClinVar variation 4537515 (VCV004537515.1).
Genomic context (GRCh38, chr16:79,211,638, plus strand): 5'-TTTTTTTTGTCTTTCTTCTTGGATTTCCAGCAACAGGGAGCTGCCACCACCGTGTACTGT[G>A]CTGCTGTCCCAGAACTGGAGGGTCTGGGAGGGATGTACTTCAACAACTGCTGCCGCTGCA-3'
Protein context (NP_057457.1, residues 353-373): QQGAATTVYC[Ala363Thr]AVPELEGLGG

ClinVar aggregate classification (germline): Uncertain significance (1 of 4 stars; one submission).

gnomAD v4.1: 2 of 1,614,202 alleles (0.00012%); highest among the groups gnomAD compares: Non-Finnish European, 0.000085%; no homozygotes.

Submission:

GeneDx
Classification: Uncertain significance. Last evaluated: 2025-06-10. Review status: criteria provided, single submitter. Criteria: GeneDx Variant Classification Process June 2021. Collection method: clinical testing. Allele origin: germline. Affected: yes.
Comment: Not observed at significant frequency in large population cohorts (gnomAD); In silico analysis supports that this missense variant has a deleterious effect on protein structure/function; Has not been previously published as pathogenic or benign to our knowledge